The following is an entry in ClinVar:

ClinVar aggregate classification (germline): Uncertain significance (1 of 4 stars; one submission).

Conditions:
Sphingolipid activator protein 1 deficiency. Also called: Saposin B Deficiency; METACHROMATIC LEUKODYSTROPHY DUE TO CEREBROSIDE SULFATASE ACTIVATOR DEFICIENCY; Metachromatic leukodystrophy due to saposin B deficiency. Identifiers: Orphanet 512, MedGen C0268262, MONDO:0009590, OMIM 249900.

Allele frequency attached by ClinVar (database versions not stated): ExAC 0.00001; gnomAD exomes 0.00001.
gnomAD v4.1: 15 of 1,614,096 alleles (0.00093%); highest among the groups gnomAD compares: Non-Finnish European, 0.00093%; no homozygotes.

Submission:

Labcorp Genetics (formerly Invitae), Labcorp
Classification: Uncertain significance for Sphingolipid activator protein 1 deficiency. Last evaluated: 2021-09-24. Review status: criteria provided, single submitter. Criteria: Invitae Variant Classification Sherloc (09022015). Collection method: clinical testing. Allele origin: germline.
Comment: This sequence change replaces threonine with proline at codon 401 of the PSAP protein (p.Thr401Pro). The threonine residue is weakly conserved and there is a small physicochemical difference between threonine and proline. This variant is present in population databases (rs778297201, ExAC 0.001%). This variant has not been reported in the literature in individuals affected with PSAP-related conditions. Algorithms developed to predict the effect of missense changes on protein structure and function output the following: SIFT: "Not Available"; PolyPhen-2: "Benign"; Align-GVGD: "Not Available". The proline amino acid residue is found in multiple mammalian species, which suggests that this missense change does not adversely affect protein function. In summary, the available evidence is currently insufficient to determine the role of this variant in disease. Therefore, it has been classified as a Variant of Uncertain Significance.

NM_002778.4(PSAP):c.1201A>C (p.Thr401Pro)

Gene: PSAP (prosaposin; minus strand). Cytogenetic location: 10q22.1.
Variant type: single nucleotide variant.
Coding change: c.1201A>C on transcript NM_002778.4 (MANE Select); coding-DNA position 1201, A replaced by C.
Protein change: p.Thr401Pro; replaces threonine 401 with proline.
Molecular consequence: missense variant.
Genome position (GRCh38, 1-based): chr10:71,819,614, T>G on the plus strand (A>C on the coding strand, the complement: PSAP is on the minus strand). VCF-style: chr10-71819614-T-G. GRCh37 (hg19) VCF-style: chr10-73579371-T-G.
Other names: c.1210A>C, p.Thr404Pro (NM_001042465.3); c.1207A>C, p.Thr403Pro (NM_001042466.3); short protein forms T404P, T401P, T403P.
Identifiers: ClinVar variation 2174741 (VCV002174741.1), dbSNP rs778297201, ClinGen allele CA5547430.
Genomic context (GRCh38, chr10:71,819,614, plus strand): 5'-GATCCAAATAACCCACCAGCTTCTTGCACACTTCGCAGAAGCCACCGTCCTTTGGCTGAG[T>G]CACGTGAACTACATAAGAGGGCAGCGGGCTCAACGCTGGCAGGGCCCTCCCAGACCCAAG-3'
Protein context (NP_002769.1, residues 391-411): TRLPALTVHV[Thr401Pro]QPKDGGFCEV